The following is an entry in ClinVar:

ClinVar aggregate classification (germline): Conflicting classifications of pathogenicity. Review status: criteria provided, conflicting classifications (1 of 4 stars). 2 submissions from 2 submitters: Likely pathogenic (1); Uncertain significance (1). Last evaluated 2025-09-23.

Conditions:
Larsen-like syndrome, B3GAT3 type. Also called: MULTIPLE JOINT DISLOCATIONS, SHORT STATURE, AND CRANIOFACIAL DYSMORPHISM WITH OR WITHOUT CONGENITAL HEART DEFECTS; Multiple joint dislocations, short stature, craniofacial dysmorphism, with or without congenital heart defects. Identifiers: Orphanet 284139, MedGen CN034159, MONDO:0009511, OMIM 245600.

Allele frequency attached by ClinVar (database versions not stated): gnomAD exomes below 0.00001.
gnomAD v4.1: 1 of 1,614,006 alleles (0.000062%); highest among the groups gnomAD compares: Non-Finnish European, 0.000085%; no homozygotes.

Submissions (2):

Labcorp Genetics (formerly Invitae), Labcorp
Classification: Uncertain significance for Larsen-like syndrome, B3GAT3 type. Last evaluated: 2025-09-23. Review status: criteria provided, single submitter. Criteria: Invitae Variant Classification Sherloc (09022015). Collection method: clinical testing. Allele origin: germline.
Comment: This sequence change replaces valine, which is neutral and non-polar, with glutamic acid, which is acidic and polar, at codon 236 of the B3GAT3 protein (p.Val236Glu). This variant is present in population databases (no rsID available, gnomAD 0.0009%). This variant has not been reported in the literature in individuals affected with B3GAT3-related conditions. ClinVar contains an entry for this variant (Variation ID: 1197663). Invitae Evidence Modeling of protein sequence and biophysical properties (such as structural, functional, and spatial information, amino acid conservation, physicochemical variation, residue mobility, and thermodynamic stability) indicates that this missense variant is expected to disrupt B3GAT3 protein function with a positive predictive value of 80%. In summary, the available evidence is currently insufficient to determine the role of this variant in disease. Therefore, it has been classified as a Variant of Uncertain Significance.

GeneDx
Classification: Likely pathogenic. Last evaluated: 2021-06-30. Review status: criteria provided, single submitter. Criteria: GeneDx Variant Classification Process June 2021. Collection method: clinical testing. Allele origin: germline. Affected: yes.
Comment: Not observed at a significant frequency in large population cohorts (Lek et al., 2016); In silico analysis, which includes protein predictors and evolutionary conservation, supports a deleterious effect; Has not been previously published as pathogenic or benign to our knowledge; This variant is associated with the following publications: (PMID: 27535533)

NM_012200.4(B3GAT3):c.707T>A (p.Val236Glu)

Gene: B3GAT3 (beta-1,3-glucuronyltransferase 3; minus strand). Cytogenetic location: 11q12.3.
Variant type: single nucleotide variant.
Coding change: c.707T>A on transcript NM_012200.4 (MANE Select); coding-DNA position 707, T replaced by A.
Protein change: p.Val236Glu; replaces valine 236 with glutamic acid.
Molecular consequence: missense variant. On other transcripts: non-coding transcript variant (1).
Genome position (GRCh38, 1-based): chr11:62,616,708, A>T on the plus strand (T>A on the coding strand, the complement: B3GAT3 is on the minus strand). VCF-style: chr11-62616708-A-T. GRCh37 (hg19) VCF-style: chr11-62384180-A-T.
Other names: c.686T>A, p.Val229Glu (NM_001288721.2); c.707T>A, p.Val236Glu (NM_001288722.2, NM_001288723.2); short protein forms V229E, V236E.
Identifiers: ClinVar variation 1197663 (VCV001197663.8), dbSNP rs1454428915, ClinGen allele CA380976031.